The following is an entry in ClinVar:

ClinVar aggregate classification (germline): Uncertain significance. Review status: criteria provided, multiple submitters, no conflicts (2 of 4 stars). 2 submissions from 2 submitters: Uncertain significance (2). Last evaluated 2025-10-02.

Conditions:
Inborn genetic diseases. Identifiers: MedGen C0950123, MeSH D030342.

Allele frequency attached by ClinVar (database versions not stated): gnomAD exomes below 0.00001.
gnomAD v4.1: 1 of 1,613,960 alleles (0.000062%); highest among the groups gnomAD compares: Admixed American, 0.0017%; no homozygotes.

Submissions (2):

Labcorp Genetics (formerly Invitae), Labcorp
Classification: Uncertain significance. Last evaluated: 2025-10-02. Review status: criteria provided, single submitter. Criteria: Invitae Variant Classification Sherloc (09022015). Collection method: clinical testing. Allele origin: germline.
Comment: This sequence change replaces glutamic acid, which is acidic and polar, with glycine, which is neutral and non-polar, at codon 2388 of the MYO18B protein (p.Glu2388Gly). This variant is not present in population databases (gnomAD no frequency). This variant has not been reported in the literature in individuals affected with MYO18B-related conditions. ClinVar contains an entry for this variant (Variation ID: 1443523). An algorithm developed to predict the effect of missense changes on protein structure and function (PolyPhen-2) suggests that this variant is likely to be disruptive. In summary, the available evidence is currently insufficient to determine the role of this variant in disease. Therefore, it has been classified as a Variant of Uncertain Significance.

Ambry Genetics
Classification: Uncertain significance for Inborn genetic diseases. Last evaluated: 2025-08-24. Review status: criteria provided, single submitter. Criteria: Ambry Variant Classification Scheme 2023. Collection method: clinical testing. Allele origin: germline.

NM_032608.7(MYO18B):c.7163A>G (p.Glu2388Gly)

Gene: MYO18B (myosin XVIIIB; plus strand). Cytogenetic location: 22q12.1.
Variant type: single nucleotide variant.
Coding change: c.7163A>G on transcript NM_032608.7 (MANE Select); coding-DNA position 7163, A replaced by G.
Protein change: p.Glu2388Gly; replaces glutamic acid 2388 with glycine.
Molecular consequence: missense variant.
Genome position (GRCh38, 1-based): chr22:26,027,137, A>G. VCF-style: chr22-26027137-A-G. GRCh37 (hg19) VCF-style: chr22-26423103-A-G.
Other names: c.7166A>G, p.Glu2389Gly (NM_001318245.2); c.7163A>G (NM_032608.5); short protein forms E2388G, E2389G.
Identifiers: ClinVar variation 1443523 (VCV001443523.7), dbSNP rs2147022047, ClinGen allele CA411011853.